The following is an entry in ClinVar:

ClinVar aggregate classification (germline): Uncertain significance. Review status: reviewed by expert panel (3 of 4 stars). 4 submissions from 4 submitters: Uncertain significance (1). 3 of the submissions do not count toward it. Last evaluated 2026-05-05.

Conditions:
ABCA4-related retinopathy. Also called: ABCA4 retinoapthy; ABCA4-related retinoapthy. Identifiers: MedGen CN322612, MONDO:0800406.
ABCA4-related disorder. Also called: ABCA4-related condition; ABCA4-related disorders. Identifiers: MedGen CN239167.

Allele frequency attached by ClinVar (database versions not stated): gnomAD 0.00003; gnomAD exomes 0.00003 and 0.00004; ExAC 0.00004; TOPMed 0.00005; 1000 Genomes Project 30x 0.00016; 1000 Genomes Project 0.00020.

Submissions (4):

ClinGen ABCA4 Variant Curation Expert Panel, Clingen
Classification: Uncertain significance for ABCA4-related retinopathy. Last evaluated: 2026-05-05. Review status: reviewed by expert panel. Criteria: ClinGen ABCA4 ACMG Specifications V1.0.0. Collection method: curation. Allele origin: germline. Inheritance: Autosomal recessive inheritance.
Comment: The NM_000350.3(ABCA4):c.6806G>A variant in ABCA4 is a missense variant predicted to cause substitution of arginine by glutamine at amino acid 2269 (p.Arg2269Gln). The total minor allele frequency in gnomAD v4.1.0 is 0.00002602 (42/1613916 alleles), which is lower than the ClinGen ABCA4 VCEP’s threshold for PM2_Supporting (<0.0001). The computational predictor REVEL gives a score of 0.286 which is in the range of 0.184-0.290, evidence that does not predict a damaging effect on ABCA4 function meeting BP4. To our knowledge, this variant has not been reported in the literature in individuals affected with ABCA4-related retinopathy. In summary, this variant meets the criteria to be classified as a variant of uncertain significance for ABCA4-related retinopathy based on the ACMG/AMP criteria applied, as specified by the ClinGen ABCA4 VCEP specification Version 1.0.0: PM2_Supporting, BP4.

Blueprint Genetics
Classification: Uncertain significance. Last evaluated: 2024-11-22. Review status: criteria provided, single submitter. Criteria: ACMG Guidelines, 2015. Collection method: clinical testing. Allele origin: germline. Not counted in ClinVar's aggregate classification.

Labcorp Genetics (formerly Invitae), Labcorp
Classification: Uncertain significance. Last evaluated: 2022-11-01. Review status: criteria provided, single submitter. Criteria: Invitae Variant Classification Sherloc (09022015). Collection method: clinical testing. Allele origin: germline. Not counted in ClinVar's aggregate classification.
Comment: This sequence change replaces arginine, which is basic and polar, with glutamine, which is neutral and polar, at codon 2269 of the ABCA4 protein (p.Arg2269Gln). This variant is present in population databases (rs202223056, gnomAD 0.01%). This variant has not been reported in the literature in individuals affected with ABCA4-related conditions. ClinVar contains an entry for this variant (Variation ID: 866026). Advanced modeling of protein sequence and biophysical properties (such as structural, functional, and spatial information, amino acid conservation, physicochemical variation, residue mobility, and thermodynamic stability) performed at Invitae indicates that this missense variant is not expected to disrupt ABCA4 protein function. In summary, the available evidence is currently insufficient to determine the role of this variant in disease. Therefore, it has been classified as a Variant of Uncertain Significance.

Illumina Laboratory Services, Illumina
Classification: Uncertain significance for ABCA4-Related Disorders. Last evaluated: 2018-01-13. Review status: criteria provided, single submitter. Criteria: ICSL Variant Classification Criteria 13 December 2019. Collection method: clinical testing. Allele origin: germline. Not counted in ClinVar's aggregate classification.

NM_000350.3(ABCA4):c.6806G>A (p.Arg2269Gln)

Gene: ABCA4 (ATP binding cassette subfamily A member 4; minus strand). Cytogenetic location: 1p22.1.
Variant type: single nucleotide variant.
Coding change: c.6806G>A on transcript NM_000350.3 (MANE Select); coding-DNA position 6806, G replaced by A.
Protein change: p.Arg2269Gln; replaces arginine 2269 with glutamine.
Molecular consequence: missense variant.
Genome position (GRCh38, 1-based): chr1:93,996,119, C>T on the plus strand (G>A on the coding strand, the complement: ABCA4 is on the minus strand). VCF-style: chr1-93996119-C-T. GRCh37 (hg19) VCF-style: chr1-94461675-C-T.
Other names: NM_000350.3(ABCA4):c.6806G>A; p.Arg2269Gln; c.6584G>A, p.Arg2195Gln (NM_001425324.1); short protein forms R2269Q, R2195Q.
Identifiers: ClinVar variation 866026 (VCV000866026.12), dbSNP rs202223056, ClinGen allele CA956786.